The following is an entry in ClinVar:

NM_003906.5(MCM3AP):c.818G>A (p.Gly273Glu)

Gene: MCM3AP (minichromosome maintenance complex component 3 associated protein; minus strand). Cytogenetic location: 21q22.3.
Variant type: single nucleotide variant.
Coding change: c.818G>A on transcript NM_003906.5 (MANE Select); coding-DNA position 818, G replaced by A.
Protein change: p.Gly273Glu; replaces glycine 273 with glutamic acid.
Molecular consequence: missense variant.
Genome position (GRCh38, 1-based): chr21:46,284,469, C>T on the plus strand (G>A on the coding strand, the complement: MCM3AP is on the minus strand). VCF-style: chr21-46284469-C-T. GRCh37 (hg19) VCF-style: chr21-47704383-C-T.
Other names: c.818G>A (NM_003906.3); short protein forms G273E.
Identifiers: ClinVar variation 2175359 (VCV002175359.3), dbSNP rs998311006, ClinGen allele CA321980272.

ClinVar aggregate classification (germline): Uncertain significance. Review status: criteria provided, multiple submitters, no conflicts (2 of 4 stars). 2 submissions from 2 submitters: Uncertain significance (2). Last evaluated 2025-05-23.

Conditions:
Inborn genetic diseases. Identifiers: MedGen C0950123, MeSH D030342.

Allele frequency attached by ClinVar (database versions not stated): gnomAD exomes below 0.00001; TOPMed 0.00002; gnomAD 0.00003.
gnomAD v4.1: 12 of 1,614,124 alleles (0.00074%); highest among the groups gnomAD compares: Middle Eastern, 0.016%; no homozygotes.

Submissions (2):

Ambry Genetics
Classification: Uncertain significance for Inborn genetic diseases. Last evaluated: 2025-05-23. Review status: criteria provided, single submitter. Criteria: Ambry Variant Classification Scheme 2023. Collection method: clinical testing. Allele origin: germline.

Labcorp Genetics (formerly Invitae), Labcorp
Classification: Uncertain significance. Last evaluated: 2022-07-05. Review status: criteria provided, single submitter. Criteria: Invitae Variant Classification Sherloc (09022015). Collection method: clinical testing. Allele origin: germline.
Comment: In summary, the available evidence is currently insufficient to determine the role of this variant in disease. Therefore, it has been classified as a Variant of Uncertain Significance. Algorithms developed to predict the effect of missense changes on protein structure and function output the following: SIFT: "Tolerated"; PolyPhen-2: "Benign"; Align-GVGD: "Class C0". The glutamic acid amino acid residue is found in multiple mammalian species, which suggests that this missense change does not adversely affect protein function. This variant has not been reported in the literature in individuals affected with MCM3AP-related conditions. This variant is present in population databases (no rsID available, gnomAD 0.003%). This sequence change replaces glycine, which is neutral and non-polar, with glutamic acid, which is acidic and polar, at codon 273 of the MCM3AP protein (p.Gly273Glu).